The following is an entry in ClinVar:

ClinVar aggregate classification (germline): Uncertain significance (1 of 4 stars; one submission).

Conditions:
KBG syndrome (KBGS). Also called: ANKRD11-Related KBG Syndrome. Identifiers: Orphanet 2332, MedGen C0220687, MONDO:0007846, OMIM 148050.

Allele frequency attached by ClinVar (database versions not stated): gnomAD exomes below 0.00001; ExAC 0.00001; gnomAD 0.00001; TOPMed 0.00001.
gnomAD v4.1: 4 of 1,612,704 alleles (0.00025%); highest among the groups gnomAD compares: East Asian, 0.0022%; no homozygotes.

Submission:

Labcorp Genetics (formerly Invitae), Labcorp
Classification: Uncertain significance for KBG syndrome. Last evaluated: 2023-08-17. Review status: criteria provided, single submitter. Criteria: Invitae Variant Classification Sherloc (09022015). Collection method: clinical testing. Allele origin: germline.
Comment: In summary, the available evidence is currently insufficient to determine the role of this variant in disease. Therefore, it has been classified as a Variant of Uncertain Significance. This sequence change replaces glycine, which is neutral and non-polar, with serine, which is neutral and polar, at codon 1526 of the ANKRD11 protein (p.Gly1526Ser). This variant is present in population databases (rs757519008, gnomAD 0.003%). This variant has not been reported in the literature in individuals affected with ANKRD11-related conditions. ClinVar contains an entry for this variant (Variation ID: 1399509). Advanced modeling of protein sequence and biophysical properties (such as structural, functional, and spatial information, amino acid conservation, physicochemical variation, residue mobility, and thermodynamic stability) performed at Invitae indicates that this missense variant is not expected to disrupt ANKRD11 protein function.

NM_013275.6(ANKRD11):c.4576G>A (p.Gly1526Ser)

Gene: ANKRD11 (ankyrin repeat domain 11; minus strand). Cytogenetic location: 16q24.3.
Variant type: single nucleotide variant.
Coding change: c.4576G>A on transcript NM_013275.6 (MANE Select); coding-DNA position 4576, G replaced by A.
Protein change: p.Gly1526Ser; replaces glycine 1526 with serine.
Molecular consequence: missense variant.
Genome position (GRCh38, 1-based): chr16:89,281,966, C>T on the plus strand (G>A on the coding strand, the complement: ANKRD11 is on the minus strand). VCF-style: chr16-89281966-C-T. GRCh37 (hg19) VCF-style: chr16-89348374-C-T.
Other names: c.4576G>A, p.Gly1526Ser (NM_001256182.2, NM_001256183.2); short protein forms G1526S.
Identifiers: ClinVar variation 1399509 (VCV001399509.6), dbSNP rs757519008, ClinGen allele CA8242080.